The following is an entry in ClinVar:

ClinVar aggregate classification (germline): Uncertain significance. Review status: criteria provided, multiple submitters, no conflicts (2 of 4 stars). 3 submissions from 3 submitters: Uncertain significance (3). Last evaluated 2025-01-24.

Conditions:
Inborn genetic diseases. Identifiers: MedGen C0950123, MeSH D030342.

Allele frequency attached by ClinVar (database versions not stated): gnomAD exomes 0.00001.
gnomAD v4.1: 15 of 1,609,098 alleles (0.00093%); highest among the groups gnomAD compares: East Asian, 0.0022%; no homozygotes.

Submissions (3):

Ambry Genetics
Classification: Uncertain significance for Inborn genetic diseases. Last evaluated: 2025-01-24. Review status: criteria provided, single submitter. Criteria: Ambry Variant Classification Scheme 2023. Collection method: clinical testing. Allele origin: germline.

Labcorp Genetics (formerly Invitae), Labcorp
Classification: Uncertain significance. Last evaluated: 2023-06-14. Review status: criteria provided, single submitter. Criteria: Invitae Variant Classification Sherloc (09022015). Collection method: clinical testing. Allele origin: germline.
Comment: In summary, the available evidence is currently insufficient to determine the role of this variant in disease. Therefore, it has been classified as a Variant of Uncertain Significance. Advanced modeling of protein sequence and biophysical properties (such as structural, functional, and spatial information, amino acid conservation, physicochemical variation, residue mobility, and thermodynamic stability) performed at Invitae indicates that this missense variant is not expected to disrupt CLTC protein function. This variant has not been reported in the literature in individuals affected with CLTC-related conditions. The frequency data for this variant in the population databases is considered unreliable, as metrics indicate poor data quality at this position in the gnomAD database. This sequence change replaces arginine, which is basic and polar, with histidine, which is basic and polar, at codon 953 of the CLTC protein (p.Arg953His).

Blueprint Genetics
Classification: Uncertain significance. Last evaluated: 2020-02-27. Review status: criteria provided, single submitter. Criteria: ACMG Guidelines, 2015. Collection method: clinical testing. Allele origin: germline.

NM_004859.4(CLTC):c.2846G>A (p.Arg949His)

Gene: CLTC (clathrin heavy chain; plus strand). Cytogenetic location: 17q23.1.
Variant type: single nucleotide variant.
Coding change: c.2846G>A on transcript NM_004859.4 (MANE Select); coding-DNA position 2846, G replaced by A.
Protein change: p.Arg949His; replaces arginine 949 with histidine.
Molecular consequence: missense variant.
Genome position (GRCh38, 1-based): chr17:59,679,446, G>A. VCF-style: chr17-59679446-G-A. GRCh37 (hg19) VCF-style: chr17-57756807-G-A.
Other names: c.2858G>A, p.Arg953His (NM_001288653.2); c.2846G>A (NM_004859.3); short protein forms R953H, R949H.
Identifiers: ClinVar variation 2969234 (VCV002969234.5), dbSNP rs774841659, ClinGen allele CA292115070.